The following is an entry in ClinVar:

ClinVar aggregate classification (germline): Uncertain significance (1 of 4 stars; one submission).

Conditions:
Ehlers-Danlos syndrome, classic type, 1 (EDSCL1). Also called: EHLERS-DANLOS SYNDROME, GRAVIS TYPE; EHLERS-DANLOS SYNDROME, SEVERE CLASSIC TYPE; Ehlers-Danlos syndrome, type 1; Ehlers-Danlos Syndrome, Classic Type, COL5A1-Related; EDS I. Identifiers: MedGen C0268335, MONDO:0019567, OMIM 130000.

Allele frequency attached by ClinVar (database versions not stated): TOPMed below 0.00001.
gnomAD v4.1: 9 of 1,613,656 alleles (0.00056%); highest among the groups gnomAD compares: Non-Finnish European, 0.00068%; no homozygotes.

Submission:

Labcorp Genetics (formerly Invitae), Labcorp
Classification: Uncertain significance for Ehlers-Danlos syndrome, classic type, 1. Last evaluated: 2023-07-13. Review status: criteria provided, single submitter. Criteria: Invitae Variant Classification Sherloc (09022015). Collection method: clinical testing. Allele origin: germline.
Comment: This sequence change replaces proline, which is neutral and non-polar, with serine, which is neutral and polar, at codon 1180 of the COL5A2 protein (p.Pro1180Ser). This variant is present in population databases (no rsID available, gnomAD 0.01%). In summary, the available evidence is currently insufficient to determine the role of this variant in disease. Therefore, it has been classified as a Variant of Uncertain Significance. Advanced modeling of protein sequence and biophysical properties (such as structural, functional, and spatial information, amino acid conservation, physicochemical variation, residue mobility, and thermodynamic stability) performed at Invitae indicates that this missense variant is not expected to disrupt COL5A2 protein function. This variant has not been reported in the literature in individuals affected with COL5A2-related conditions.

NM_000393.5(COL5A2):c.3538C>T (p.Pro1180Ser)

Gene: COL5A2 (collagen type V alpha 2 chain; minus strand). Cytogenetic location: 2q32.2.
Variant type: single nucleotide variant.
Coding change: c.3538C>T on transcript NM_000393.5 (MANE Select); coding-DNA position 3538, C replaced by T.
Protein change: p.Pro1180Ser; replaces proline 1180 with serine.
Molecular consequence: missense variant.
Genome position (GRCh38, 1-based): chr2:189,041,681, G>A on the plus strand (C>T on the coding strand, the complement: COL5A2 is on the minus strand). VCF-style: chr2-189041681-G-A. GRCh37 (hg19) VCF-style: chr2-189906407-G-A.
Other names: short protein forms P1180S.
Identifiers: ClinVar variation 2720089 (VCV002720089.3), dbSNP rs1275132077, ClinGen allele CA349860189.
Genomic context (GRCh38, chr2:189,041,681, plus strand): 5'-CTGGAGGTCCAATTGGCCCAAGTGGCCCAGGGTTTCCTTCTTTACCTGAAGGACCAACTG[G>A]GCCTGGAGGACCCTGCAAGAAACAAAGACTGTAGTTTAGATTCTATGAAGGAAAAATTTT-3'
Protein context (NP_000384.2, residues 1170-1190): GPFGPRGPPG[Pro1180Ser]VGPSGKEGNP